The following is an entry in ClinVar:

NM_001853.4(COL9A3):c.1096C>T (p.Pro366Ser)

Gene: COL9A3 (collagen type IX alpha 3 chain; plus strand). Cytogenetic location: 20q13.33.
Variant type: single nucleotide variant.
Coding change: c.1096C>T on transcript NM_001853.4 (MANE Select); coding-DNA position 1096, C replaced by T.
Protein change: p.Pro366Ser; replaces proline 366 with serine.
Molecular consequence: missense variant.
Genome position (GRCh38, 1-based): chr20:62,829,670, C>T. VCF-style: chr20-62829670-C-T. GRCh37 (hg19) VCF-style: chr20-61461022-C-T.
Other names: c.1096C>T (NM_001853.3); short protein forms P366S.
Identifiers: ClinVar variation 1394658 (VCV001394658.7), dbSNP rs1462265085, ClinGen allele CA409593599.

ClinVar aggregate classification (germline): Uncertain significance. Review status: criteria provided, multiple submitters, no conflicts (2 of 4 stars). 2 submissions from 2 submitters: Uncertain significance (2). Last evaluated 2025-11-26.

Conditions:
Inborn genetic diseases. Identifiers: MedGen C0950123, MeSH D030342.

Allele frequency attached by ClinVar (database versions not stated): gnomAD exomes below 0.00001; gnomAD 0.00001; TOPMed 0.00002.
gnomAD v4.1: 3 of 1,609,106 alleles (0.00019%); highest among the groups gnomAD compares: African/African-American, 0.004%; no homozygotes.

Submissions (2):

Ambry Genetics
Classification: Uncertain significance for Inborn genetic diseases. Last evaluated: 2025-11-26. Review status: criteria provided, single submitter. Criteria: Ambry Variant Classification Scheme 2023. Collection method: clinical testing. Allele origin: germline.

Labcorp Genetics (formerly Invitae), Labcorp
Classification: Uncertain significance. Last evaluated: 2024-10-24. Review status: criteria provided, single submitter. Criteria: Invitae Variant Classification Sherloc (09022015). Collection method: clinical testing. Allele origin: germline.
Comment: This sequence change replaces proline, which is neutral and non-polar, with serine, which is neutral and polar, at codon 366 of the COL9A3 protein (p.Pro366Ser). The frequency data for this variant in the population databases is considered unreliable, as metrics indicate poor data quality at this position in the gnomAD database. This variant has not been reported in the literature in individuals affected with COL9A3-related conditions. ClinVar contains an entry for this variant (Variation ID: 1394658). Invitae Evidence Modeling of protein sequence and biophysical properties (such as structural, functional, and spatial information, amino acid conservation, physicochemical variation, residue mobility, and thermodynamic stability) indicates that this missense variant is not expected to disrupt COL9A3 protein function with a negative predictive value of 95%. In summary, the available evidence is currently insufficient to determine the role of this variant in disease. Therefore, it has been classified as a Variant of Uncertain Significance.